The following is an entry in ClinVar:

ClinVar aggregate classification (germline): Benign (1 of 4 stars; one submission).

Conditions:
Cone-rod synaptic disorder, congenital nonprogressive. Also called: NIGHT BLINDNESS, CONGENITAL STATIONARY, INCOMPLETE, AUTOSOMAL RECESSIVE. Identifiers: Orphanet 215, MedGen C4041558, MONDO:0012490, OMIM 610427.

Allele frequency attached by ClinVar (database versions not stated): gnomAD 0.04174 and 0.04454; 1000 Genomes Project 0.12760.
gnomAD v4.1: 3,303 of 80,094 alleles (4.1%); highest among the groups gnomAD compares: African/African-American, 23%; 213 homozygotes.

Submission:

Illumina Laboratory Services, Illumina
Classification: Benign for Cone-rod synaptic disorder, congenital nonprogressive. Last evaluated: 2018-01-12. Review status: criteria provided, single submitter. Criteria: ICSL Variant Classification Criteria 13 December 2019. Collection method: clinical testing. Allele origin: germline.
Comment: This variant was observed in the ICSL laboratory as part of a predisposition screen in an ostensibly healthy population. It had not been previously curated by ICSL or reported in the Human Gene Mutation Database (HGMD: prior to June 1st, 2018), and was therefore a candidate for classification through an automated scoring system. Utilizing variant allele frequency, disease prevalence and penetrance estimates, and inheritance mode, an automated score was calculated to assess if this variant is too frequent to cause the disease. Based on the score and internal cut-off values, a variant classified as benign is not then subjected to further curation. The score for this variant resulted in a classification of benign for this disease.

NM_145200.5(CABP4):c.*2327G>A

Gene: CABP4 (calcium binding protein 4; plus strand). Cytogenetic location: 11q13.2.
Variant type: single nucleotide variant.
Coding change: c.*2327G>A on transcript NM_145200.5 (MANE Select); 2327 bases downstream of the stop codon, G replaced by A.
Molecular consequence: 3 prime UTR variant. On other transcripts: non-coding transcript variant (1).
Genome position (GRCh38, 1-based): chr11:67,460,986, G>A. VCF-style: chr11-67460986-G-A. GRCh37 (hg19) VCF-style: chr11-67228457-G-A.
Other names: c.*2327G>A (NM_001300895.3, NM_001300896.3, NM_001379183.1).
Identifiers: ClinVar variation 305711 (VCV000305711.5), dbSNP rs11227799, ClinGen allele CA10631375.